The following is an entry in ClinVar:

ClinVar aggregate classification (germline): Uncertain significance (1 of 4 stars; one submission).

Conditions:
Hereditary nonpolyposis colorectal neoplasms. Identifiers: MedGen C0009405, MeSH D003123.

Submission:

Labcorp Genetics (formerly Invitae), Labcorp
Classification: Uncertain significance for Hereditary nonpolyposis colorectal neoplasms. Last evaluated: 2024-04-17. Review status: criteria provided, single submitter. Criteria: Invitae Variant Classification Sherloc (09022015). Collection method: clinical testing. Allele origin: germline.
Comment: This sequence change replaces glycine, which is neutral and non-polar, with valine, which is neutral and non-polar, at codon 505 of the PMS2 protein (p.Gly505Val). This variant is not present in population databases (gnomAD no frequency). This variant has not been reported in the literature in individuals affected with PMS2-related conditions. ClinVar contains an entry for this variant (Variation ID: 1021186). Advanced modeling of protein sequence and biophysical properties (such as structural, functional, and spatial information, amino acid conservation, physicochemical variation, residue mobility, and thermodynamic stability) performed at Invitae indicates that this missense variant is not expected to disrupt PMS2 protein function with a negative predictive value of 80%. In summary, the available evidence is currently insufficient to determine the role of this variant in disease. Therefore, it has been classified as a Variant of Uncertain Significance.

NM_000535.7(PMS2):c.1514G>T (p.Gly505Val)

Gene: PMS2 (PMS1 homolog 2, mismatch repair system component; minus strand). Cytogenetic location: 7p22.1.
Variant type: single nucleotide variant.
Coding change: c.1514G>T on transcript NM_000535.7 (MANE Select); coding-DNA position 1514, G replaced by T.
Protein change: p.Gly505Val; replaces glycine 505 with valine.
Molecular consequence: missense variant. On other transcripts: non-coding transcript variant (1).
Genome position (GRCh38, 1-based): chr7:5,987,251, C>A on the plus strand (G>T on the coding strand, the complement: PMS2 is on the minus strand). VCF-style: chr7-5987251-C-A. GRCh37 (hg19) VCF-style: chr7-6026882-C-A.
Other names: c.1109G>T, p.Gly370Val (NM_001322003.2, NM_001322004.2, NM_001322005.2 and 1 more transcripts); c.1358G>T, p.Gly453Val (NM_001322006.2); c.1196G>T, p.Gly399Val (NM_001322007.2, NM_001322008.2); c.953G>T, p.Gly318Val (NM_001322010.2); c.581G>T, p.Gly194Val (NM_001322011.2, NM_001322012.2); c.941G>T, p.Gly314Val (NM_001322013.2); c.1514G>T, p.Gly505Val (NM_001322014.2); c.1205G>T, p.Gly402Val (NM_001322015.2); short protein forms G194V, G314V, G318V, G370V, G399V, G402V, G453V, G505V.
Identifiers: ClinVar variation 1021186 (VCV001021186.8), dbSNP rs1783066325, ClinGen allele CA366741710.